The following is an entry in ClinVar:

ClinVar aggregate classification (germline): Conflicting classifications of pathogenicity. Review status: criteria provided, conflicting classifications (1 of 4 stars). 3 submissions from 3 submitters: Uncertain significance (1); Likely benign (1). 1 of the submissions does not count toward it. Last evaluated 2025-11-22.

Conditions:
SCN10A-related disorder. Also called: SCN10A-related condition.
Brugada syndrome. Also called: Sudden unexplained nocturnal death syndrome; Sudden unexpected nocturnal death syndrome; Sudden Unexplained Death Syndrome; Sudden Unexplained Nocturnal Death Syndrome (SUNDS). Identifiers: Orphanet 130, MedGen C1142166, MONDO:0015263.

Allele frequency attached by ClinVar (database versions not stated): TOPMed 0.00001; ExAC 0.00009; gnomAD exomes 0.00010; 1000 Genomes Project 0.00040; 1000 Genomes Project 30x 0.00047.
gnomAD v4.1: 48 of 1,614,194 alleles (0.003%); highest among the groups gnomAD compares: South Asian, 0.041%; no homozygotes.

Submissions (3):

Labcorp Genetics (formerly Invitae), Labcorp
Classification: Likely benign for Brugada syndrome. Last evaluated: 2025-11-22. Review status: criteria provided, single submitter. Criteria: Invitae Variant Classification Sherloc (09022015). Collection method: clinical testing. Allele origin: germline.

GeneDx
Classification: Uncertain significance. Last evaluated: 2019-09-27. Review status: criteria provided, single submitter. Criteria: GeneDx Variant Classification Process June 2021. Collection method: clinical testing. Allele origin: germline. Affected: yes.
Comment: Has not been previously published as pathogenic or benign to our knowledge; In silico analysis, which includes protein predictors and evolutionary conservation, supports that this variant does not alter protein structure/function

PreventionGenetics, part of Exact Sciences
Classification: Likely benign for SCN10A-related condition. Last evaluated: 2024-04-30. Review status: no assertion criteria provided. Collection method: clinical testing. Allele origin: germline. Not counted in ClinVar's aggregate classification.
Comment: This variant is classified as likely benign based on ACMG/AMP sequence variant interpretation guidelines (Richards et al. 2015 PMID: 25741868, with internal and published modifications).

NM_006514.4(SCN10A):c.2374A>G (p.Ile792Val)

Gene: SCN10A (sodium voltage-gated channel alpha subunit 10; minus strand). Cytogenetic location: 3p22.2.
Variant type: single nucleotide variant.
Coding change: c.2374A>G on transcript NM_006514.4 (MANE Select); coding-DNA position 2374, A replaced by G.
Protein change: p.Ile792Val; replaces isoleucine 792 with valine.
Molecular consequence: missense variant.
Genome position (GRCh38, 1-based): chr3:38,728,808, T>C on the plus strand (A>G on the coding strand, the complement: SCN10A is on the minus strand). VCF-style: chr3-38728808-T-C. GRCh37 (hg19) VCF-style: chr3-38770299-T-C.
Other names: c.2374A>G (NM_006514.3); c.2374A>G, p.Ile792Val (NM_001293306.2); c.2080A>G, p.Ile694Val (NM_001293307.2); short protein forms I694V, I792V.
Identifiers: ClinVar variation 1303294 (VCV001303294.7), dbSNP rs563110484, ClinGen allele CA2320556.